The following is an entry in ClinVar:

ClinVar aggregate classification (germline): Benign (0 of 4 stars; one submission).

Conditions:
SLC5A9-related disorder. Also called: SLC5A9-related condition.

Allele frequency attached by ClinVar (database versions not stated): 1000 Genomes Project 0.11382; 1000 Genomes Project 30x 0.11415; TOPMed 0.13494; gnomAD 0.14192; ExAC 0.14595; ESP Exome Variant Server 0.14809; gnomAD exomes 0.15033.

Submission:

PreventionGenetics, part of Exact Sciences
Classification: Benign for SLC5A9-related condition. Last evaluated: 2019-10-23. Review status: no assertion criteria provided. Collection method: clinical testing. Allele origin: germline.
Comment: This variant is classified as benign based on ACMG/AMP sequence variant interpretation guidelines (Richards et al. 2015 PMID: 25741868, with internal and published modifications).

NM_001011547.3(SLC5A9):c.1777G>T (p.Glu593Ter)

Gene: SLC5A9 (solute carrier family 5 member 9; plus strand). Cytogenetic location: 1p33.
Variant type: single nucleotide variant.
Coding change: c.1777G>T on transcript NM_001011547.3 (MANE Select); coding-DNA position 1777, G replaced by T.
Protein change: p.Glu593Ter; replaces glutamic acid 593 with a stop codon.
Molecular consequence: nonsense.
Genome position (GRCh38, 1-based): chr1:48,242,556, G>T. VCF-style: chr1-48242556-G-T. GRCh37 (hg19) VCF-style: chr1-48708228-G-T.
Other names: c.1852G>T, p.Glu618Ter (NM_001135181.2); short protein forms E593*, E618*.
Identifiers: ClinVar variation 3060378 (VCV003060378.2), dbSNP rs850763, ClinGen allele CA844014.